The following is an entry in ClinVar:

NM_003227.4(TFR2):c.2255G>A (p.Arg752His)

Gene: TFR2 (transferrin receptor 2; minus strand). Cytogenetic location: 7q22.1.
Variant type: single nucleotide variant.
Coding change: c.2255G>A on transcript NM_003227.4 (MANE Select); coding-DNA position 2255, G replaced by A.
Protein change: p.Arg752His; replaces arginine 752 with histidine.
Molecular consequence: missense variant.
Genome position (GRCh38, 1-based): chr7:100,621,008, C>T on the plus strand (G>A on the coding strand, the complement: TFR2 is on the minus strand). VCF-style: chr7-100621008-C-T. GRCh37 (hg19) VCF-style: chr7-100218631-C-T.
Other names: c.1742G>A, p.Arg581His (NM_001206855.3); short protein forms R752H, R581H.
Identifiers: ClinVar variation 221188 (VCV000221188.22), dbSNP rs41295942, ClinGen allele CA350560.

ClinVar aggregate classification (germline): Benign/Likely benign. Review status: criteria provided, multiple submitters, no conflicts (2 of 4 stars). 7 submissions from 7 submitters: Benign (2); Likely benign (2). 3 of the submissions do not count toward it. Last evaluated 2026-02-04.

Conditions:
Hereditary hemochromatosis (HFE). Identifiers: MedGen C0392514, MONDO:0006507. Disease mechanism: loss of function.
Hemochromatosis type 3 (HFE3). Also called: HEMOCHROMATOSIS DUE TO DEFECT IN TRANSFERRIN RECEPTOR 2; TFR2-Related Hemochromatosis; Hereditary hemochromatosis type 3. Identifiers: Orphanet 225123, MedGen C1858664, MONDO:0011417, OMIM 604250.

Allele frequency attached by ClinVar (database versions not stated): 1000 Genomes Project 0.00819; 1000 Genomes Project 30x 0.00906; TOPMed 0.01879; ESP Exome Variant Server 0.02009; gnomAD exomes 0.02048; gnomAD 0.02096 and 0.02204; ExAC 0.03067.
gnomAD v4.1: 42,753 of 1,603,208 alleles (2.7%); highest among the groups gnomAD compares: Non-Finnish European, 3.1%; 683 homozygotes.

Submissions (7):

Labcorp Genetics (formerly Invitae), Labcorp
Classification: Benign for Hereditary hemochromatosis. Last evaluated: 2026-02-04. Review status: criteria provided, single submitter. Criteria: Invitae Variant Classification Sherloc (09022015). Collection method: clinical testing. Allele origin: germline.

Illumina Laboratory Services, Illumina
Classification: Likely benign for Hemochromatosis type 3. Last evaluated: 2017-04-27. Review status: criteria provided, single submitter. Criteria: ICSL Variant Classification Criteria 13 December 2019. Collection method: clinical testing. Allele origin: germline.
Comment: This variant was observed as part of a predisposition screen in an ostensibly healthy population. A literature search was performed for the gene, cDNA change, and amino acid change (where applicable). Publications were found based on this search. The evidence from the literature, in combination with allele frequency data from public databases where available, was sufficient to determine this variant is unlikely to cause disease. Therefore, this variant is classified as likely benign.

Breakthrough Genomics
Classification: Likely benign. Review status: criteria provided, single submitter. Criteria: ACMG Guidelines, 2015. Collection method: not provided. Allele origin: germline. Inheritance: Autosomal recessive inheritance. Affected: yes.

PreventionGenetics, part of Exact Sciences
Classification: Benign. Review status: criteria provided, single submitter. Criteria: ACMG Guidelines, 2015. Collection method: clinical testing. Allele origin: germline.

Natera, Inc.
Classification: Benign for Hereditary hemochromatosis type 3. Last evaluated: 2020-09-16. Review status: no assertion criteria provided. Collection method: clinical testing. Allele origin: germline. Not counted in ClinVar's aggregate classification.

Joint Genome Diagnostic Labs from Nijmegen and Maastricht, Radboudumc and MUMC+
Classification: Likely benign. Review status: no assertion criteria provided. Collection method: clinical testing. Allele origin: germline. Affected: yes. Study: VKGL Data-share Consensus. Not counted in ClinVar's aggregate classification.

Laboratory of Diagnostic Genome Analysis, Leiden University Medical Center (LUMC)
Classification: Likely benign. Review status: no assertion criteria provided. Collection method: clinical testing. Allele origin: germline. Affected: yes. Study: VKGL Data-share Consensus. Not counted in ClinVar's aggregate classification.

Literature cited by the submitters: PubMed 12130528 (cited by Illumina Laboratory Services, Illumina).